The following is an entry in ClinVar:

NM_003200.5(TCF3):c.1087C>G (p.Leu363Val)

Gene: TCF3 (transcription factor 3; minus strand). Cytogenetic location: 19p13.3.
Variant type: single nucleotide variant.
Coding change: c.1087C>G on transcript NM_003200.5 (MANE Select); coding-DNA position 1087, C replaced by G.
Protein change: p.Leu363Val; replaces leucine 363 with valine.
Molecular consequence: missense variant.
Genome position (GRCh38, 1-based): chr19:1,620,974, G>C on the plus strand (C>G on the coding strand, the complement: TCF3 is on the minus strand). VCF-style: chr19-1620974-G-C. GRCh37 (hg19) VCF-style: chr19-1620973-G-C.
Other names: c.1087C>G, p.Leu363Val (NM_001136139.4, NM_001351778.2, NM_001351779.2); short protein forms L363V.
Identifiers: ClinVar variation 1503164 (VCV001503164.6), dbSNP rs370753500, ClinGen allele CA304103317.

ClinVar aggregate classification (germline): Uncertain significance (1 of 4 stars; one submission).

Allele frequency attached by ClinVar (database versions not stated): gnomAD exomes below 0.00001; gnomAD 0.00003; TOPMed 0.00003; ESP Exome Variant Server 0.00008.
gnomAD v4.1: 8 of 1,498,596 alleles (0.00053%); highest among the groups gnomAD compares: African/African-American, 0.0086%; no homozygotes.

Submission:

Labcorp Genetics (formerly Invitae), Labcorp
Classification: Uncertain significance. Last evaluated: 2024-01-28. Review status: criteria provided, single submitter. Criteria: Invitae Variant Classification Sherloc (09022015). Collection method: clinical testing. Allele origin: germline.
Comment: This sequence change replaces leucine, which is neutral and non-polar, with valine, which is neutral and non-polar, at codon 363 of the TCF3 protein (p.Leu363Val). This variant is present in population databases (rs370753500, gnomAD 0.03%). This variant has not been reported in the literature in individuals affected with TCF3-related conditions. ClinVar contains an entry for this variant (Variation ID: 1503164). Advanced modeling of protein sequence and biophysical properties (such as structural, functional, and spatial information, amino acid conservation, physicochemical variation, residue mobility, and thermodynamic stability) performed at Invitae indicates that this missense variant is not expected to disrupt TCF3 protein function with a negative predictive value of 80%. In summary, the available evidence is currently insufficient to determine the role of this variant in disease. Therefore, it has been classified as a Variant of Uncertain Significance.